The following is an entry in ClinVar:

NM_000310.4(PPT1):c.335_336del (p.Met112fs)

Gene: PPT1 (palmitoyl-protein thioesterase 1; minus strand). Cytogenetic location: 1p34.2.
Variant type: Deletion.
Coding change: c.335_336del on transcript NM_000310.4 (MANE Select); coding-DNA positions 335 to 336, 2 bases deleted (TG; older notation c.335_336delTG).
Protein change: p.Met112fs; shifts the reading frame from methionine 112.
Molecular consequence: frameshift variant. On other transcripts: intron variant (1).
Genome position (GRCh38, 1-based): chr1:40,092,071-40,092,072, CA deleted on the plus strand (TG on the coding strand, the reverse complement: PPT1 is on the minus strand). VCF-style (leftmost placement, unchanged base first): chr1-40092070-CCA-C. GRCh37 (hg19) VCF-style: chr1-40557742-CCA-C.
Other names: c.335_336delTG (NM_000310.3); c.335_336del, p.Met112fs (NM_001363695.2); c.125-2560_125-2559del (NM_001142604.2); short protein forms M112fs.
Identifiers: ClinVar variation 649994 (VCV000649994.6), dbSNP rs1570470281, ClinGen allele CA915941211.

ClinVar aggregate classification (germline): Pathogenic (1 of 4 stars; one submission).

Conditions:
Neuronal ceroid lipofuscinosis 1 (CLN1). Also called: PPT1-Related Neuronal Ceroid-Lipofuscinosis; CEROID LIPOFUSCINOSIS, NEURONAL, 1, VARIABLE AGE AT ONSET. Identifiers: Orphanet 228329, MedGen C1850451, MONDO:0009744, OMIM 256730.

Submission:

Labcorp Genetics (formerly Invitae), Labcorp
Classification: Pathogenic for Neuronal ceroid lipofuscinosis 1. Last evaluated: 2021-08-14. Review status: criteria provided, single submitter. Criteria: Invitae Variant Classification Sherloc (09022015). Collection method: clinical testing. Allele origin: germline.
Comment: For these reasons, this variant has been classified as Pathogenic. ClinVar contains an entry for this variant (Variation ID: 649994). This variant has not been reported in the literature in individuals affected with PPT1-related conditions. This variant is not present in population databases (ExAC no frequency). This sequence change creates a premature translational stop signal (p.Met112Argfs*49) in the PPT1 gene. It is expected to result in an absent or disrupted protein product. Loss-of-function variants in PPT1 are known to be pathogenic (PMID: 10679943, 21990111).

Literature cited by the submitters: PubMed 10679943; PubMed 21990111.